The following is an entry in ClinVar:

NM_031448.6(C19orf12):c.343G>A (p.Glu115Lys)

Gene: C19orf12 (chromosome 19 open reading frame 12; minus strand). Cytogenetic location: 19q12.
Variant type: single nucleotide variant.
Coding change: c.343G>A on transcript NM_031448.6 (MANE Select); coding-DNA position 343, G replaced by A.
Protein change: p.Glu115Lys; replaces glutamic acid 115 with lysine.
Molecular consequence: missense variant. On other transcripts: intron variant (1).
Genome position (GRCh38, 1-based): chr19:29,702,795, C>T on the plus strand (G>A on the coding strand, the complement: C19orf12 is on the minus strand). VCF-style: chr19-29702795-C-T. GRCh37 (hg19) VCF-style: chr19-30193702-C-T.
Other names: c.343G>A, p.Glu115Lys (NM_001031726.4, NM_001256047.2); c.151G>A, p.Glu51Lys (NM_001282929.1, NM_001282930.3, NM_001282931.3); c.291-3G>A (NM_001256046.3); short protein forms E115K, E51K.
Identifiers: ClinVar variation 1678772 (VCV001678772.13), dbSNP rs139422624, ClinGen allele CA9351876.

ClinVar aggregate classification (germline): Conflicting classifications of pathogenicity. Review status: criteria provided, conflicting classifications (1 of 4 stars). 3 submissions from 3 submitters: Uncertain significance (2); Likely benign (1). Last evaluated 2026-01-18.

Conditions:
Hereditary spastic paraplegia 43. Also called: Spastic paraplegia 43, autosomal recessive. Identifiers: Orphanet 320370, MedGen C2680446, MONDO:0014024, OMIM 615043.
C19orf12-related disorder. Also called: C19orf12-related condition.

Allele frequency attached by ClinVar (database versions not stated): gnomAD exomes 0.00006 and 0.00014; ExAC 0.00015; ESP Exome Variant Server 0.00023; gnomAD 0.00054 and 0.00056; 1000 Genomes Project 0.00060; TOPMed 0.00067; 1000 Genomes Project 30x 0.00078.
gnomAD v4.1: 175 of 1,613,870 alleles (0.011%); highest among the groups gnomAD compares: African/African-American, 0.19%; 1 homozygote.

Submissions (3):

Labcorp Genetics (formerly Invitae), Labcorp
Classification: Uncertain significance for Hereditary spastic paraplegia 43. Last evaluated: 2026-01-18. Review status: criteria provided, single submitter. Criteria: Invitae Variant Classification Sherloc (09022015). Collection method: clinical testing. Allele origin: germline.
Comment: This sequence change replaces glutamic acid, which is acidic and polar, with lysine, which is basic and polar, at codon 126 of the C19orf12 protein (p.Glu126Lys). This variant is present in population databases (rs139422624, gnomAD 0.2%). This variant has not been reported in the literature in individuals affected with C19orf12-related conditions. ClinVar contains an entry for this variant (Variation ID: 1678772). An algorithm developed to predict the effect of missense changes on protein structure and function (PolyPhen-2) suggests that this variant is likely to be tolerated. In summary, the available evidence is currently insufficient to determine the role of this variant in disease. Therefore, it has been classified as a Variant of Uncertain Significance.

PreventionGenetics, part of Exact Sciences
Classification: Likely benign for C19orf12-related condition. Last evaluated: 2025-06-10. Review status: criteria provided, single submitter. Criteria: ACMG Guidelines, 2015. Collection method: clinical testing. Allele origin: germline.
Comment: This variant is classified as likely benign based on ACMG/AMP sequence variant interpretation guidelines (Richards et al. 2015 PMID: 25741868, with internal and published modifications).

GeneDx
Classification: Uncertain significance. Last evaluated: 2024-10-10. Review status: criteria provided, single submitter. Criteria: GeneDx Variant Classification Process June 2021. Collection method: clinical testing. Allele origin: germline. Affected: yes.
Comment: Has not been previously published as pathogenic or benign to our knowledge; In silico analysis indicates that this missense variant does not alter protein structure/function